The following is an entry in ClinVar:

ClinVar aggregate classification (germline): Likely pathogenic. Review status: criteria provided, multiple submitters, no conflicts (2 of 4 stars). 5 submissions from 5 submitters: Likely pathogenic (5). Last evaluated 2025-05-25.

Conditions:
Ataxia-telangiectasia syndrome (AT). Also called: ATAXIA-TELANGIECTASIA, COMPLEMENTATION GROUP A; ATAXIA-TELANGIECTASIA, FRESNO VARIANT; Ataxia-telangiectasia, complementation group E; Ataxia telangiectasia (A-T); LOUIS-BAR SYNDROME; Cerebello-oculocutaneous telangiectasia. Identifiers: Orphanet 100, MedGen C0004135, MONDO:0008840, OMIM 208900.
Malignant tumor of breast. Also called: Malignant breast neoplasm; Cancer breast. Identifiers: MedGen C0006142, MONDO:0007254. Disease mechanism: loss of function.
Hereditary cancer-predisposing syndrome. Also called: Neoplastic Syndromes, Hereditary; Hereditary Cancer Syndrome; Hereditary neoplastic syndrome; Tumor predisposition. Identifiers: Orphanet 140162, MedGen C0027672, MeSH D009386, MONDO:0015356.
Familial cancer of breast. Also called: hereditary breast carcinoma; BREAST CANCER, FAMILIAL; Hereditary breast cancer. Identifiers: Orphanet 227535, MedGen C0346153, MONDO:0016419, OMIM 114480. Disease mechanism: loss of function.

Allele frequency attached by ClinVar (database versions not stated): gnomAD exomes below 0.00001; TOPMed below 0.00001.
gnomAD v4.1: 1 of 1,612,730 alleles (0.000062%); no homozygotes.

Submissions (5):

Ambry Genetics
Classification: Likely pathogenic for Hereditary cancer-predisposing syndrome. Last evaluated: 2025-05-25. Review status: criteria provided, single submitter. Criteria: Ambry Variant Classification Scheme 2023. Collection method: clinical testing. Allele origin: germline.
Comment: The c.3577-2A>G intronic variant results from an A to G substitution two nucleotides upstream from coding exon 24 in the ATM gene. This variant is considered to be rare based on population cohorts in the Genome Aggregation Database (gnomAD). This nucleotide position is highly conserved in available vertebrate species. In silico splice site analysis predicts that this alteration will weaken the native splice acceptor site and will result in the creation or strengthening of a novel splice acceptor site. Alterations that disrupt the canonical splice site are expected to cause aberrant splicing, resulting in an abnormal protein or a transcript that is subject to nonsense-mediated mRNA decay. As such, this alteration is classified as likely pathogenic.

Myriad Genetics, Inc.
Classification: Likely pathogenic for Familial cancer of breast. Last evaluated: 2024-01-22. Review status: criteria provided, single submitter. Criteria: Myriad Autosomal Dominant, Autosomal Recessive and X-Linked Classification Criteria (2023). Collection method: clinical testing. Allele origin: unknown.
Comment: This variant is considered likely pathogenic. This variant occurs within a consensus splice junction and is predicted to result in abnormal mRNA splicing of either an out-of-frame exon or an in-frame exon necessary for protein stability and/or normal function.

Women's Health and Genetics/Laboratory Corporation of America, LabCorp
Classification: Likely pathogenic for Malignant tumor of breast. Last evaluated: 2022-11-07. Review status: criteria provided, single submitter. Criteria: LabCorp Variant Classification Summary - May 2015. Collection method: clinical testing. Allele origin: germline.
Comment: Variant summary: ATM c.3577-2A>G is located in a canonical splice-site and is predicted to affect mRNA splicing resulting in a significantly altered protein due to either exon skipping, shortening, or inclusion of intronic material. Several computational tools predict a significant impact on normal splicing: Four predict the variant abolishes a 3' acceptor site. One predict the variant creates a cryptic 3' acceptor site. However, these predictions have yet to be confirmed by functional studies. The variant was absent in 250518 control chromosomes. To our knowledge, no occurrence of c.3577-2A>G in individuals affected with Breast Cancer and no experimental evidence demonstrating its impact on protein function have been reported. Two clinical diagnostic laboratories have submitted clinical-significance assessments for this variant to ClinVar after 2014 without evidence for independent evaluation. Both laboratories classified the variant as likely pathogenic. Based on the evidence outlined above, the variant was classified as likely pathogenic.

GeneDx
Classification: Likely pathogenic. Last evaluated: 2022-06-07. Review status: criteria provided, single submitter. Criteria: GeneDx Variant Classification Process June 2021. Collection method: clinical testing. Allele origin: germline. Affected: yes.
Comment: Canonical splice site variant predicted to result in a null allele in a gene for which loss of function is a known mechanism of disease; Not observed at significant frequency in large population cohorts (gnomAD); Has not been previously published as pathogenic or benign to our knowledge; This variant is associated with the following publications: (PMID: 23807571, 25614872, 16199547)

Labcorp Genetics (formerly Invitae), Labcorp
Classification: Likely pathogenic for Ataxia-telangiectasia syndrome. Last evaluated: 2020-11-12. Review status: criteria provided, single submitter. Criteria: Invitae Variant Classification Sherloc (09022015). Collection method: clinical testing. Allele origin: germline.
Comment: This sequence change affects an acceptor splice site in intron 24 of the ATM gene. It is expected to disrupt RNA splicing and likely results in an absent or disrupted protein product. This variant is not present in population databases (ExAC no frequency). This variant has not been reported in the literature in individuals with ATM-related conditions. Algorithms developed to predict the effect of sequence changes on RNA splicing suggest that this variant may disrupt the consensus splice site, but this prediction has not been confirmed by published transcriptional studies. Donor and acceptor splice site variants typically lead to a loss of protein function (PMID: 16199547), and loss-of-function variants in ATM are known to be pathogenic (PMID: 23807571, 25614872). In summary, the currently available evidence indicates that the variant is pathogenic, but additional data are needed to prove that conclusively. Therefore, this variant has been classified as Likely Pathogenic.

Literature cited by the submitters: PubMed 16199547 (cited by Labcorp Genetics (formerly Invitae), Labcorp); PubMed 23807571 (cited by Labcorp Genetics (formerly Invitae), Labcorp); PubMed 25614872 (cited by Labcorp Genetics (formerly Invitae), Labcorp).

NM_000051.4(ATM):c.3577-2A>G

Gene: ATM (ATM serine/threonine kinase; plus strand). Cytogenetic location: 11q22.3.
Variant type: single nucleotide variant.
Coding change: c.3577-2A>G on transcript NM_000051.4 (MANE Select); the canonical splice acceptor site of the intron before coding-DNA position 3577, A replaced by G.
Molecular consequence: splice acceptor variant.
Genome position (GRCh38, 1-based): chr11:108,282,708, A>G. VCF-style: chr11-108282708-A-G. GRCh37 (hg19) VCF-style: chr11-108153435-A-G.
Other names: c.3577-2A>G (NM_001351834.2).
Identifiers: ClinVar variation 823948 (VCV000823948.15), dbSNP rs887358871, ClinGen allele CA228366628.